The following is an entry in ClinVar:

ClinVar aggregate classification (germline): Uncertain significance (1 of 4 stars; one submission).

Submission:

CeGaT Center for Human Genetics Tuebingen
Classification: Uncertain significance. Last evaluated: 2025-03-01. Review status: criteria provided, single submitter. Criteria: CeGaT Center For Human Genetics Tuebingen Variant Classification Criteria Version 2. Collection method: clinical testing. Allele origin: germline. Affected: yes. Observed: 1 variant allele.
Comment: TSGA10: PM2

NM_025244.4(TSGA10):c.1291G>C (p.Ala431Pro)

Gene: TSGA10 (testis specific 10; minus strand). Cytogenetic location: 2q11.2.
Variant type: single nucleotide variant.
Coding change: c.1291G>C on transcript NM_025244.4 (MANE Select); coding-DNA position 1291, G replaced by C.
Protein change: p.Ala431Pro; replaces alanine 431 with proline.
Molecular consequence: missense variant. On other transcripts: non-coding transcript variant (1).
Genome position (GRCh38, 1-based): chr2:99,065,052, C>G on the plus strand (G>C on the coding strand, the complement: TSGA10 is on the minus strand). VCF-style: chr2-99065052-C-G. GRCh37 (hg19) VCF-style: chr2-99681515-C-G.
Other names: c.1291G>C, p.Ala431Pro (NM_001349012.1, NM_182911.4); c.964G>C, p.Ala322Pro (NM_001349013.2, NM_001349014.1); short protein forms A322P, A431P.
Identifiers: ClinVar variation 3778498 (VCV003778498.7).
Genomic context (GRCh38, chr2:99,065,052, plus strand): 5'-CTGCCTCAGCAGTGATAAGTTCCAGTTTGAGGGTATTGTTATCTGCCTCTGATTGACGGG[C>G]TTTATTTTCCCAGTTTTCAGCATCTTCATTGGCTTTTCGAAGTTGTTCCATCATTTGCCG-3'
Protein context (NP_079520.1, residues 421-441): NEDAENWENK[Ala431Pro]RQSEADNNTL